The following is an entry in ClinVar:

NM_006509.4(RELB):c.164-5C>G

Gene: RELB (RELB proto-oncogene, NF-kB subunit; plus strand). Cytogenetic location: 19q13.32.
Variant type: single nucleotide variant.
Coding change: c.164-5C>G on transcript NM_006509.4 (MANE Select); 5 bases into the intron before coding-DNA position 164, C replaced by G.
Molecular consequence: intron variant.
Genome position (GRCh38, 1-based): chr19:45,011,931, C>G. VCF-style: chr19-45011931-C-G. GRCh37 (hg19) VCF-style: chr19-45515189-C-G.
Other names: c.155-5C>G (NM_001411087.1).
Identifiers: ClinVar variation 3616235 (VCV003616235.2).

ClinVar aggregate classification (germline): Uncertain significance (1 of 4 stars; one submission).

gnomAD v4.1: 19 of 1,505,762 alleles (0.0013%); highest among the groups gnomAD compares: Non-Finnish European, 0.0017%; no homozygotes.

Submission:

Labcorp Genetics (formerly Invitae), Labcorp
Classification: Uncertain significance. Last evaluated: 2024-11-27. Review status: criteria provided, single submitter. Criteria: Invitae Variant Classification Sherloc (09022015). Collection method: clinical testing. Allele origin: germline.
Comment: This sequence change falls in intron 3 of the RELB gene. It does not directly change the encoded amino acid sequence of the RELB protein. This variant is not present in population databases (gnomAD no frequency). This variant has not been reported in the literature in individuals affected with RELB-related conditions. Algorithms developed to predict the effect of sequence changes on RNA splicing suggest that this variant may create or strengthen a splice site. In summary, the available evidence is currently insufficient to determine the role of this variant in disease. Therefore, it has been classified as a Variant of Uncertain Significance.